The following is an entry in ClinVar:

ClinVar aggregate classification (germline): Benign (1 of 4 stars; one submission).

Conditions:
Tuberous sclerosis 2 (TSC2). Identifiers: Orphanet 805, MedGen C1860707, MONDO:0013199, OMIM 613254.

Submission:

Myriad Genetics, Inc.
Classification: Benign for Tuberous sclerosis 2. Last evaluated: 2025-06-05. Review status: criteria provided, single submitter. Criteria: Myriad Autosomal Dominant, Autosomal Recessive and X-Linked Classification Criteria (2023). Collection method: clinical testing. Allele origin: unknown.
Comment: This variant is considered benign. This variant is intronic and is not expected to impact mRNA splicing.

NM_000548.5(TSC2):c.5069-46_5069-19dup

Gene: TSC2 (TSC complex subunit 2; plus strand). Cytogenetic location: 16p13.3.
Variant type: Duplication.
Coding change: c.5069-46_5069-19dup on transcript NM_000548.5 (MANE Select); 46 bases into the intron before coding-DNA position 5069 through 19 bases into the intron before coding-DNA position 5069, 28 bases duplicated (TGGCGCCAAGAGCCCTGGGCCTGGCGTG).
Molecular consequence: intron variant.
Genome position (GRCh38, 1-based): chr16:2,088,002-2,088,029, TGGCGCCAAGAGCCCTGGGCCTGGCGTG duplicated; duplicating any 28 consecutive bases within chr16:2,087,999-2,088,029 gives the same sequence; the c. name uses the placement nearest the transcript's 3' end. VCF-style (leftmost placement, unchanged base first): chr16-2087998-A-AGTGTGGCGCCAAGAGCCCTGGGCCTGGC. GRCh37 (hg19) VCF-style: chr16-2137999-A-AGTGTGGCGCCAAGAGCCCTGGGCCTGGC.
Other names: c.4721-46_4721-19dup (NM_001406679.1); c.4271-46_4271-19dup (NM_001406686.1, NM_001406685.1); c.4901-46_4901-19dup (NM_001318832.2); c.3527-46_3527-19dup (NM_001406693.1, NM_001406692.1, NM_001406694.1); c.4961-46_4961-19dup (NM_001406667.1); c.4958-46_4958-19dup (NM_001406668.1); c.4469-46_4469-19dup (NM_001406680.1); c.4400-46_4400-19dup (NM_001406683.1, NM_001406682.1); and 26 more.
Identifiers: ClinVar variation 4071077 (VCV004071077.1).